The following is an entry in ClinVar:

NM_000536.4(RAG2):c.932T>C (p.Ile311Thr)

Gene: RAG2 (recombination activating 2; minus strand). Cytogenetic location: 11p12.
Variant type: single nucleotide variant.
Coding change: c.932T>C on transcript NM_000536.4 (MANE Select); coding-DNA position 932, T replaced by C.
Protein change: p.Ile311Thr; replaces isoleucine 311 with threonine.
Molecular consequence: missense variant.
Genome position (GRCh38, 1-based): chr11:36,593,237, A>G on the plus strand (T>C on the coding strand, the complement: RAG2 is on the minus strand). VCF-style: chr11-36593237-A-G. GRCh37 (hg19) VCF-style: chr11-36614787-A-G.
Other names: c.932T>C, p.Ile311Thr (NM_001243785.2, NM_001243786.2); short protein forms I311T.
Identifiers: ClinVar variation 1026912 (VCV001026912.8), dbSNP rs1851070055, ClinGen allele CA380141723.
Genomic context (GRCh38, chr11:36,593,237, plus strand): 5'-ATGCCAAGAAAAACAGTTCCATTTCCCATGTTGCTTCCAAACCATATCTTGCTGTGCTTA[A>G]TGTCTGGGGTCCAATCTGGGGTCTCCATCTCACGAATTTCTATCTTGTTGTCCTCTAAAG-3'
Protein context (NP_000527.2, residues 301-321): EMETPDWTPD[Ile311Thr]KHSKIWFGSN

ClinVar aggregate classification (germline): Uncertain significance (1 of 4 stars; one submission).

Conditions:
Severe combined immunodeficiency, autosomal recessive, T cell-negative, B cell-negative, NK cell-positive. Also called: SCID, T CELL-NEGATIVE, B CELL-NEGATIVE, NK CELL-POSITIVE; SCID, AR, T-cell negative, B-cell negative, NK cell-positive; Severe combined immunodeficiency due to complete RAG1/2 deficiency. Identifiers: Orphanet 331206, MedGen C1832322, MONDO:0011086, OMIM 601457.
Combined immunodeficiency with skin granulomas. Identifiers: Orphanet 157949, MedGen C2673536, MONDO:0009306, OMIM 233650.

Submission:

Labcorp Genetics (formerly Invitae), Labcorp
Classification: Uncertain significance for Combined immunodeficiency with skin granulomas; Severe combined immunodeficiency, autosomal recessive, T cell-negative, B cell-negative, NK cell-positive. Last evaluated: 2022-08-23. Review status: criteria provided, single submitter. Criteria: Invitae Variant Classification Sherloc (09022015). Collection method: clinical testing. Allele origin: germline.
Comment: Advanced modeling of protein sequence and biophysical properties (such as structural, functional, and spatial information, amino acid conservation, physicochemical variation, residue mobility, and thermodynamic stability) performed at Invitae indicates that this missense variant is expected to disrupt RAG2 protein function. In summary, the available evidence is currently insufficient to determine the role of this variant in disease. Therefore, it has been classified as a Variant of Uncertain Significance. This sequence change replaces isoleucine, which is neutral and non-polar, with threonine, which is neutral and polar, at codon 311 of the RAG2 protein (p.Ile311Thr). This variant is not present in population databases (gnomAD no frequency). This variant has not been reported in the literature in individuals affected with RAG2-related conditions. ClinVar contains an entry for this variant (Variation ID: 1026912).